The following is an entry in ClinVar:

NM_001100121.2(ECE2):c.1986G>A (p.Glu662=)

Genes: ECE2 (endothelin converting enzyme 2; plus strand), EEF1AKMT4-ECE2 (EEF1AKMT4-ECE2 readthrough; plus strand). Cytogenetic location: 3q27.1.
Variant type: single nucleotide variant.
Coding change: c.1986G>A on transcript NM_001100121.2 (MANE Select); coding-DNA position 1986, G replaced by A.
Protein change: p.Glu662=; no amino-acid change (glutamic acid 662 retained).
Molecular consequence: synonymous variant.
Genome position (GRCh38, 1-based): chr3:184,291,191, G>A. VCF-style: chr3-184291191-G-A. GRCh37 (hg19) VCF-style: chr3-184008979-G-A.
Other names: c.2340G>A, p.Glu780= (NM_014693.4); c.1899G>A, p.Glu633= (NM_001037324.3); c.2124G>A, p.Glu708= (NM_001100120.2).
Identifiers: ClinVar variation 2654314 (VCV002654314.24), dbSNP rs114388448, ClinGen allele CA2730813.

ClinVar aggregate classification (germline): Likely benign (1 of 4 stars; one submission).

Allele frequency attached by ClinVar (database versions not stated): 1000 Genomes Project 0.00040; 1000 Genomes Project 30x 0.00047; ExAC 0.00149; gnomAD 0.00188; TOPMed 0.00198; ESP Exome Variant Server 0.00246; gnomAD exomes 0.00299.
gnomAD v4.1: 4,605 of 1,613,652 alleles (0.29%); highest among the groups gnomAD compares: Non-Finnish European, 0.36%; 8 homozygotes.

Submission:

CeGaT Center for Human Genetics Tuebingen
Classification: Likely benign. Last evaluated: 2022-07-01. Review status: criteria provided, single submitter. Criteria: CeGaT Center For Human Genetics Tuebingen Variant Classification Criteria Version 2. Collection method: clinical testing. Allele origin: germline. Affected: yes. Observed: 1 variant allele.
Comment: ECE2: BP4, BP7; EEF1AKMT4-ECE2: BP4, BP7